The following is an entry in ClinVar:

ClinVar aggregate classification (germline): Uncertain significance (1 of 4 stars; one submission).

Submission:

GeneDx
Classification: Uncertain significance. Last evaluated: 2025-05-28. Review status: criteria provided, single submitter. Criteria: GeneDx Variant Classification Process June 2021. Collection method: clinical testing. Allele origin: germline. Affected: yes.
Comment: Not observed at significant frequency in large population cohorts (gnomAD); In silico analysis supports that this missense variant has a deleterious effect on protein structure/function; Has not been previously published as pathogenic or benign to our knowledge

NM_014633.5(CTR9):c.1247T>C (p.Ile416Thr)

Genes: CTR9 (CTR9 component of Paf1/RNA polymerase II complex; plus strand), LOC126861140 (CDK7 strongly-dependent group 2 enhancer GRCh37_chr11:10785333-10786532; plus strand). Cytogenetic location: 11p15.4.
Variant type: single nucleotide variant.
Coding change: c.1247T>C on transcript NM_014633.5 (MANE Select); coding-DNA position 1247, T replaced by C.
Protein change: p.Ile416Thr; replaces isoleucine 416 with threonine.
Molecular consequence: missense variant.
Genome position (GRCh38, 1-based): chr11:10,764,164, T>C. VCF-style: chr11-10764164-T-C. GRCh37 (hg19) VCF-style: chr11-10785711-T-C.
Other names: c.1247T>C, p.Ile416Thr (NM_001346279.2); short protein forms I416T.
Identifiers: ClinVar variation 4532686 (VCV004532686.1).
Genomic context (GRCh38, chr11:10,764,164, plus strand): 5'-TATCCCAGGGCCATTTGAAGAAGGTCACAGAACAGTATCCCGATGATGTTGAAGCTTGGA[T>C]TGAATTGGCACAAATCTTAGAACAGACTGATATACAGGTATTTTAGTAATGTTTTTTAAT-3'
Protein context (NP_055448.1, residues 406-426): EQYPDDVEAW[Ile416Thr]ELAQILEQTD